The following is an entry in ClinVar:

ClinVar aggregate classification (germline): Conflicting classifications of pathogenicity. Review status: criteria provided, conflicting classifications (1 of 4 stars). 7 submissions from 7 submitters: Uncertain significance (2); Benign (1); Likely benign (3). 1 of the submissions does not count toward it. Last evaluated 2024-10-29.

Conditions:
SHANK3-related disorder. Also called: SHANK3-related condition.
Inborn genetic diseases. Identifiers: MedGen C0950123, MeSH D030342.
Schizophrenia 15 (SCZD15). Also called: SCHIZOPHRENIA SUSCEPTIBILITY LOCUS, CHROMOSOME 22q13-RELATED. Identifiers: MedGen C3151380, MONDO:0013498, OMIM 613950.
Phelan-McDermid syndrome. Also called: TELOMERIC 22q13 MONOSOMY SYNDROME; 22q13.3 deletion syndrome; Phelan-McDermid Syndrome-SHANK3 Related. Identifiers: Orphanet 48652, MedGen C1853490, MONDO:0011652, OMIM 606232.

Allele frequency attached by ClinVar (database versions not stated): ExAC 0.00026; 1000 Genomes Project 30x 0.00031; TOPMed 0.00053; 1000 Genomes Project 0.00120.

Submissions (7):

Blueprint Genetics
Classification: Likely benign. Last evaluated: 2024-10-29. Review status: criteria provided, single submitter. Criteria: ACMG Guidelines, 2015. Collection method: clinical testing. Allele origin: germline.

CeGaT Center for Human Genetics Tuebingen
Classification: Likely benign. Last evaluated: 2024-07-01. Review status: criteria provided, single submitter. Criteria: CeGaT Center For Human Genetics Tuebingen Variant Classification Criteria Version 2. Collection method: clinical testing. Allele origin: germline. Affected: yes. Observed: 3 variant alleles.
Comment: SHANK3: BS1

GeneDx
Classification: Benign. Last evaluated: 2020-11-06. Review status: criteria provided, single submitter. Criteria: GeneDx Variant Classification Process June 2021. Collection method: clinical testing. Allele origin: germline. Affected: yes.
Comment: This variant is associated with the following publications: (PMID: 17999366)

Fulgent Genetics
Classification: Uncertain significance for Phelan-McDermid syndrome; Schizophrenia 15. Last evaluated: 2018-10-31. Review status: criteria provided, single submitter. Criteria: ACMG Guidelines, 2015. Collection method: clinical testing. Allele origin: unknown.

Ambry Genetics
Classification: Likely benign for Inborn genetic diseases. Last evaluated: 2018-08-06. Review status: criteria provided, single submitter. Criteria: Ambry Variant Classification Scheme 2023. Collection method: clinical testing. Allele origin: germline.

Genomic Diagnostic Laboratory, Division of Genomic Diagnostics, Children's Hospital of Philadelphia
Classification: Uncertain significance. Last evaluated: 2015-11-06. Review status: criteria provided, single submitter. Criteria: DGD Variant Analysis Guidelines. Collection method: clinical testing. Allele origin: unknown.

PreventionGenetics, part of Exact Sciences
Classification: Likely benign for SHANK3-related condition. Last evaluated: 2024-06-26. Review status: no assertion criteria provided. Collection method: clinical testing. Allele origin: germline. Not counted in ClinVar's aggregate classification.
Comment: This variant is classified as likely benign based on ACMG/AMP sequence variant interpretation guidelines (Richards et al. 2015 PMID: 25741868, with internal and published modifications).

NM_001372044.2(SHANK3):c.3133G>T (p.Ala1045Ser)

Gene: SHANK3 (SH3 and multiple ankyrin repeat domains 3; plus strand). Cytogenetic location: 22q13.33.
Variant type: single nucleotide variant.
Coding change: c.3133G>T on transcript NM_001372044.2 (MANE Select); coding-DNA position 3133, G replaced by T.
Protein change: p.Ala1045Ser; replaces alanine 1045 with serine.
Molecular consequence: missense variant.
Genome position (GRCh38, 1-based): chr22:50,720,741, G>T. VCF-style: chr22-50720741-G-T. GRCh37 (hg19) VCF-style: chr22-51159169-G-T.
Other names: c.2908G>T, p.Ala970Ser (NM_033517.1); short protein forms A970S, A1045S.
Identifiers: ClinVar variation 252769 (VCV000252769.33), dbSNP rs530255181, ClinGen allele CA10325937.